The following is an entry in ClinVar:

ClinVar aggregate classification (germline): Uncertain significance (1 of 4 stars; one submission).

Conditions:
Pyogenic arthritis-pyoderma gangrenosum-acne syndrome (PAPA). Also called: PAPA SYNDROME; FAMILIAL RECURRENT ARTHRITIS. Identifiers: Orphanet 69126, MedGen C1858361, MONDO:0011462, OMIM 604416.

gnomAD v4.1: 15 of 1,568,380 alleles (0.00096%); highest among the groups gnomAD compares: Non-Finnish European, 0.0013%; no homozygotes.

Submission:

Labcorp Genetics (formerly Invitae), Labcorp
Classification: Uncertain significance for Pyogenic arthritis-pyoderma gangrenosum-acne syndrome. Last evaluated: 2025-02-25. Review status: criteria provided, single submitter. Criteria: Invitae Variant Classification Sherloc (09022015). Collection method: clinical testing. Allele origin: germline.
Comment: This sequence change replaces serine, which is neutral and polar, with threonine, which is neutral and polar, at codon 132 of the PSTPIP1 protein (p.Ser132Thr). This variant is not present in population databases (gnomAD no frequency). This variant has not been reported in the literature in individuals affected with PSTPIP1-related conditions. Invitae Evidence Modeling of protein sequence and biophysical properties (such as structural, functional, and spatial information, amino acid conservation, physicochemical variation, residue mobility, and thermodynamic stability) indicates that this missense variant is not expected to disrupt PSTPIP1 protein function with a negative predictive value of 80%. In summary, the available evidence is currently insufficient to determine the role of this variant in disease. Therefore, it has been classified as a Variant of Uncertain Significance.

NM_003978.5(PSTPIP1):c.394T>A (p.Ser132Thr)

Gene: PSTPIP1 (proline-serine-threonine phosphatase interacting protein 1; plus strand). Cytogenetic location: 15q24.3.
Variant type: single nucleotide variant.
Coding change: c.394T>A on transcript NM_003978.5 (MANE Select); coding-DNA position 394, T replaced by A.
Protein change: p.Ser132Thr; replaces serine 132 with threonine.
Molecular consequence: missense variant. On other transcripts: non-coding transcript variant (1).
Genome position (GRCh38, 1-based): chr15:77,027,891, T>A. VCF-style: chr15-77027891-T-A. GRCh37 (hg19) VCF-style: chr15-77320232-T-A.
Other names: c.394T>A, p.Ser132Thr (NM_001321135.2, NM_001411086.1); c.367T>A, p.Ser123Thr (NM_001321136.2); c.589T>A, p.Ser197Thr (NM_001321137.1); short protein forms S132T, S197T, S123T.
Identifiers: ClinVar variation 3699713 (VCV003699713.2).